The following is an entry in ClinVar:

NM_021167.5(GATAD1):c.646A>T (p.Met216Leu)

Gene: GATAD1 (GATA zinc finger domain containing 1; plus strand). Cytogenetic location: 7q21.2.
Variant type: single nucleotide variant.
Coding change: c.646A>T on transcript NM_021167.5 (MANE Select); coding-DNA position 646, A replaced by T.
Protein change: p.Met216Leu; replaces methionine 216 with leucine.
Molecular consequence: missense variant. On other transcripts: non-coding transcript variant (1).
Genome position (GRCh38, 1-based): chr7:92,456,398, A>T. VCF-style: chr7-92456398-A-T. GRCh37 (hg19) VCF-style: chr7-92085712-A-T.
Other names: c.646A>T (NM_021167.3); short protein forms M216L.
Identifiers: ClinVar variation 1524956 (VCV001524956.10), dbSNP rs778197140, ClinGen allele CA368162706.

ClinVar aggregate classification (germline): Uncertain significance. Review status: criteria provided, multiple submitters, no conflicts (2 of 4 stars). 2 submissions from 2 submitters: Uncertain significance (2). Last evaluated 2025-12-01.

Conditions:
Dilated cardiomyopathy 2B. Identifiers: Orphanet 154, MedGen C3553409, MONDO:0013848, OMIM 614672.
Cardiovascular phenotype. Identifiers: MedGen CN230736.

Allele frequency attached by ClinVar (database versions not stated): TOPMed 0.00002; gnomAD 0.00003 and 0.00004.
gnomAD v4.1: 8 of 1,611,652 alleles (0.0005%); highest among the groups gnomAD compares: African/African-American, 0.011%; no homozygotes.

Submissions (2):

Labcorp Genetics (formerly Invitae), Labcorp
Classification: Uncertain significance for Dilated cardiomyopathy 2B. Last evaluated: 2025-12-01. Review status: criteria provided, single submitter. Criteria: Invitae Variant Classification Sherloc (09022015). Collection method: clinical testing. Allele origin: germline.
Comment: This sequence change replaces methionine, which is neutral and non-polar, with leucine, which is neutral and non-polar, at codon 216 of the GATAD1 protein (p.Met216Leu). This variant is present in population databases (no rsID available, gnomAD 0.008%). This variant has not been reported in the literature in individuals affected with GATAD1-related conditions. ClinVar contains an entry for this variant (Variation ID: 1524956). Invitae Evidence Modeling of protein sequence and biophysical properties (such as structural, functional, and spatial information, amino acid conservation, physicochemical variation, residue mobility, and thermodynamic stability) indicates that this missense variant is not expected to disrupt GATAD1 protein function with a negative predictive value of 80%. Algorithms developed to predict the effect of sequence changes on RNA splicing suggest that this variant may disrupt the consensus splice site. In summary, the available evidence is currently insufficient to determine the role of this variant in disease. Therefore, it has been classified as a Variant of Uncertain Significance.

Ambry Genetics
Classification: Uncertain significance for Cardiovascular phenotype. Last evaluated: 2025-07-13. Review status: criteria provided, single submitter. Criteria: Ambry Variant Classification Scheme 2023. Collection method: clinical testing. Allele origin: germline.
Comment: The p.M216L variant (also known as c.646A>T), located in coding exon 5 of the GATAD1 gene, results from an A to T substitution at nucleotide position 646. The methionine at codon 216 is replaced by leucine, an amino acid with highly similar properties. This amino acid position is conserved. In addition, this alteration is predicted to be tolerated by in silico analysis. Since supporting evidence is limited at this time, the clinical significance of this alteration remains unclear.